The following is an entry in ClinVar:

NM_014000.3(VCL):c.2994G>A (p.Met998Ile)

Gene: VCL (vinculin; plus strand). Cytogenetic location: 10q22.2.
Variant type: single nucleotide variant.
Coding change: c.2994G>A on transcript NM_014000.3 (MANE Select); coding-DNA position 2994, G replaced by A.
Protein change: p.Met998Ile; replaces methionine 998 with isoleucine.
Molecular consequence: missense variant.
Genome position (GRCh38, 1-based): chr10:74,114,228, G>A. VCF-style: chr10-74114228-G-A. GRCh37 (hg19) VCF-style: chr10-75873986-G-A.
Other names: c.2790G>A, p.Met930Ile (NM_003373.4); short protein forms M998I, M930I.
Identifiers: ClinVar variation 3331939 (VCV003331939.3).

ClinVar aggregate classification (germline): Uncertain significance. Review status: criteria provided, multiple submitters, no conflicts (2 of 4 stars). 2 submissions from 2 submitters: Uncertain significance (2). Last evaluated 2024-12-25.

Conditions:
Dilated cardiomyopathy 1W (CMD1W). Identifiers: Orphanet 154, MedGen C1969639, MONDO:0012667, OMIM 611407.
Cardiovascular phenotype. Identifiers: MedGen CN230736.

gnomAD v4.1: 1 of 1,613,998 alleles (0.000062%); highest among the groups gnomAD compares: Non-Finnish European, 0.000085%; no homozygotes.

Submissions (2):

Labcorp Genetics (formerly Invitae), Labcorp
Classification: Uncertain significance for Dilated cardiomyopathy 1W. Last evaluated: 2024-12-25. Review status: criteria provided, single submitter. Criteria: Invitae Variant Classification Sherloc (09022015). Collection method: clinical testing. Allele origin: germline.
Comment: This sequence change replaces methionine, which is neutral and non-polar, with isoleucine, which is neutral and non-polar, at codon 998 of the VCL protein (p.Met998Ile). This variant is not present in population databases (gnomAD no frequency). This variant has not been reported in the literature in individuals affected with VCL-related conditions. An algorithm developed to predict the effect of missense changes on protein structure and function (PolyPhen-2) suggests that this variant is likely to be disruptive. In summary, the available evidence is currently insufficient to determine the role of this variant in disease. Therefore, it has been classified as a Variant of Uncertain Significance.

Ambry Genetics
Classification: Uncertain significance for Cardiovascular phenotype. Last evaluated: 2024-04-14. Review status: criteria provided, single submitter. Criteria: Ambry Variant Classification Scheme 2023. Collection method: clinical testing. Allele origin: germline.
Comment: The p.M998I variant (also known as c.2994G>A), located in coding exon 20 of the VCL gene, results from a G to A substitution at nucleotide position 2994. The methionine at codon 998 is replaced by isoleucine, an amino acid with highly similar properties. This amino acid position is conserved. In addition, this alteration is predicted to be deleterious by in silico analysis. Based on the available evidence, the clinical significance of this variant remains unclear.